The following is an entry in ClinVar:

NM_000492.3(CFTR):c.2175dup (p.Glu726Argfs)

Gene: CFTR (CF transmembrane conductance regulator; plus strand). Cytogenetic location: 7q31.2.
Variant type: Duplication.
Coding change: c.2175dup on transcript NM_000492.3; coding-DNA position 2175, one base duplicated (A; older notation c.2175dupA).
Protein change: p.Glu726Argfs; shifts the reading frame from glutamic acid 726.
Molecular consequence: frameshift variant (on NM_000492.4).
Genome position (GRCh38, 1-based): chr7:117,592,342, A duplicated; the last of 2 consecutive A bases (chr7:117,592,341-117,592,342); duplicating either gives the same sequence. VCF-style (leftmost placement, unchanged base first): chr7-117592340-G-GA. GRCh37 (hg19) VCF-style: chr7-117232394-G-GA.
Other names: 2307insA; c.2175dupA (NM_000492.3); c.2175dup, p.Glu726fs (NM_000492.4); short protein forms E726fs.
Identifiers: ClinVar variation 7185 (VCV000007185.51), dbSNP rs746418935, ClinGen allele CA325575.

ClinVar aggregate classification (germline): Pathogenic. Review status: reviewed by expert panel (3 of 4 stars). 17 submissions from 16 submitters: Pathogenic (1). 16 of the submissions do not count toward it. Last evaluated 2017-03-17.

Conditions:
CFTR-related disorder (CFTR-RD). Also called: CFTR-related condition; CFTR-related disorders. Identifiers: MedGen C5924204, MONDO:7770004.
Cystic fibrosis (CF). Also called: MUCOVISCIDOSIS. Identifiers: Orphanet 586, MedGen C0010674, MONDO:0009061, OMIM 219700. Disease mechanism: loss of function.
Congenital bilateral aplasia of vas deferens from CFTR mutation (CBAVD). Identifiers: Orphanet 48, MedGen C0403814, MONDO:0010178, OMIM 277180. Disease mechanism: loss of function.
Bronchiectasis with or without elevated sweat chloride 1 (BESC1). Also called: Cystic Fibrosis-Like Syndrome. Identifiers: Orphanet 60033, MedGen C2749757, MONDO:0008887, OMIM 211400.

Submissions 1 to 10 of 17:

CFTR2
Classification: Pathogenic for Cystic fibrosis. Last evaluated: 2017-03-17. Review status: reviewed by expert panel. Criteria: Sosnay PR et al. (Nat Genet 2013). Collection method: research. Allele origin: germline. Affected: yes. Study: CFTR2.

PreventionGenetics, part of Exact Sciences
Classification: Pathogenic for CFTR-related condition. Last evaluated: 2026-06-26. Review status: criteria provided, single submitter. Criteria: ACMG Guidelines, 2015. Collection method: clinical testing. Allele origin: germline. Not counted in ClinVar's aggregate classification.
Comment: The CFTR c.2175dupA variant is predicted to result in a frameshift and premature protein termination (p.Glu726Argfs*4). This variant, also referred to as c.2307insA in the literature, has been reported in multiple individuals with cystic fibrosis (see for example: Smit et al. 1993. PubMed ID: 7686423; Table 2 in Castellani et al. 2008. PubMed ID: 18456578; Souza et al. 2020. PubMed ID: 32674983; Table S1, Raraigh et al. 2021. PubMed ID: 34782259). This variant has been interpreted as pathogenic by the CFTR2 expert review panel in ClinVar (Variation ID: 7185). This variant is reported in 0.032% of alleles in individuals of African descent in gnomAD. Frameshift variants in CFTR are expected to be pathogenic. This variant is interpreted as pathogenic.

Natera, Inc.
Classification: Pathogenic for CFTR-related disorders. Last evaluated: 2025-10-17. Review status: criteria provided, single submitter. Criteria: Natera Variant Classification Schema (03/2026). Collection method: clinical testing. Allele origin: germline. Not counted in ClinVar's aggregate classification.
Comment: The c.2175dupA variant in CFTR is a frameshift variant predicted to shift the reading frame beginning at codon 726 and leads to a stop codon 4 codons downstream. This variant is expected to result in nonsense mediated decay, truncation, or a dysfunctional protein product. This variant is rare in the general population with a frequency below the threshold expected for the associated phenotype(s). This variant has been observed in one or more individuals affected with the associated recessive disease, as either homozygous or compound heterozygous with a second variant (PMID: 26574590). Given the available evidence, this variant is classified as Pathogenic.

Labcorp Genetics (formerly Invitae), Labcorp
Classification: Pathogenic for Cystic fibrosis. Last evaluated: 2025-10-12. Review status: criteria provided, single submitter. Criteria: Invitae Variant Classification Sherloc (09022015). Collection method: clinical testing. Allele origin: germline. Not counted in ClinVar's aggregate classification.
Comment: This sequence change creates a premature translational stop signal (p.Glu726Argfs*4) in the CFTR gene. It is expected to result in an absent or disrupted protein product. Loss-of-function variants in CFTR are known to be pathogenic (PMID: 1695717, 7691345, 9725922). This variant is present in population databases (rs746418935, gnomAD 0.03%). This premature translational stop signal has been observed in individual(s) with cystic fibrosis (PMID: 7686423, 15371903, 18456578). It is commonly reported in individuals of African American ancestry (PMID: 7686423, 15371903, 18456578). This variant is also known as c.2307insA. ClinVar contains an entry for this variant (Variation ID: 7185). For these reasons, this variant has been classified as Pathogenic.

Baylor Genetics
Classification: Pathogenic for Bronchiectasis with or without elevated sweat chloride 1. Last evaluated: 2023-11-07. Review status: criteria provided, single submitter. Criteria: ACMG Guidelines, 2015. Collection method: clinical testing. Allele origin: unknown. Not counted in ClinVar's aggregate classification.

ARUP Laboratories, Molecular Genetics and Genomics, ARUP Laboratories
Classification: Pathogenic. Last evaluated: 2023-10-25. Review status: criteria provided, single submitter. Criteria: ARUP Molecular Germline Variant Investigation Process 2024. Collection method: clinical testing. Allele origin: germline. Not counted in ClinVar's aggregate classification.
Comment: The CFTR c.2175dup; p.Glu726ArgfsTer4 variant (rs746418935) is reported in the literature in individuals affected with cystic fibrosis (Smit 1993, Sosnay 2013, Sugarman 2004). This variant is reported in ClinVar (Variation ID: 7185) and is found in the African population with an allele frequency of 0.03% (8/24,954 alleles) in the Genome Aggregation Database. This variant causes a frameshift by inserting a single nucleotide, so it is predicted to result in a truncated protein or mRNA subject to nonsense-mediated decay. Furthermore, in vitro functional assays show a significant reduction in transcript expression (Smit 1993). Based on available information, this variant is considered to be pathogenic. References: Smit LS et al. An African-American cystic fibrosis patient homozygous for a novel frameshift mutation associated with reduced CFTR mRNA levels. Hum Mutat. 1993;2(2):148-51. PMID: 7686423. Sosnay PR et al. Defining the disease liability of variants in the cystic fibrosis transmembrane conductance regulator gene. Nat Genet. 2013 Oct;45(10):1160-7. PMID: 23974870. Sugarman EA et al. CFTR mutation distribution among U.S. Hispanic and African American individuals: evaluation in cystic fibrosis patient and carrier screening populations. Genet Med. 2004 Sep-Oct;6(5):392-9. PMID: 15371903.

Laboratory for Molecular Medicine, Mass General Brigham Personalized Medicine
Classification: Pathogenic for Cystic fibrosis. Last evaluated: 2023-09-21. Review status: criteria provided, single submitter. Criteria: ACMG Guidelines, 2015. Collection method: clinical testing. Allele origin: germline. Inheritance: Autosomal recessive inheritance. Not counted in ClinVar's aggregate classification.
Comment: The p.Glu726ArgfsX4 variant in CFTR is commonly reported in individuals of African American ancestry and has been identified in the homozygous or compound heterozygous state with other disease-causing variants in CFTR in at least 2 individuals with clinical features of cystic fibrosis (Smit 1993 PMID: 7686423, Sugarman 2004 PMID: 15371903, Souza 2020 PMID: 32674983). In addition, it has been found in 59 patients in the CFTR2 database, the majority of which are pancreatic insufficient. This variant has also been reported by other clinical laboratories in ClinVar ((Variation ID 7185) and has been identified in 0.02% (9/41432) of African chromosomes by gnomAD (v.3.1.2). This variant is predicted to cause a frameshift, which alters the protein’s amino acid sequence beginning at position 726 and leads to a premature termination codon 4 amino acids downstream. This alteration is then predicted to lead to a truncated or absent protein. Biallelic loss of function of the CFTR gene is an established disease mechanism in autosomal recessive cystic fibrosis. In summary, this variant meets criteria to be classified as pathogenic for autosomal recessive cystic fibrosis. ACMG/AMP Criteria applied: PVS1, PM2_Supporting, PM3.

Johns Hopkins Genomics, Johns Hopkins University
Classification: Pathogenic for Cystic fibrosis. Last evaluated: 2023-07-14. Review status: criteria provided, single submitter. Criteria: ACMG Guidelines, 2015. Collection method: clinical testing. Allele origin: germline. Not counted in ClinVar's aggregate classification.
Comment: Disease-causing CFTR variant. See CFTR2 for phenotype information.

Ambry Genetics
Classification: Pathogenic for Cystic fibrosis. Last evaluated: 2022-05-24. Review status: criteria provided, single submitter. Criteria: Ambry Variant Classification Scheme 2023. Collection method: clinical testing. Allele origin: germline. Not counted in ClinVar's aggregate classification.
Comment: The c.2175dupA pathogenic mutation, located in coding exon 14 of the CFTR gene, results from a duplication of A at nucleotide position 2175, causing a translational frameshift with a predicted alternate stop codon (p.E726Rfs*4). The overall frequency of this allele in CF chromosomes has been observed at approximately 0.2%, with the highest occurrence in 2.0% of all African American CF chromosomes (Macek M et al. Am. J. Hum. Genet., 1997 May;60:1122-7; Bobadilla JL et al. Hum. Mutat., 2002 Jun;19:575-606). This pathogenic mutation is associated with elevated sweat chloride levels and pancreatic insufficiency (Sosnay PR et al. Nat. Genet., 2013 Oct;45:1160-7). Of note, this alteration is also known as 2307insA in published literature. In addition to the clinical data presented in the literature, this alteration is expected to result in loss of function by premature protein truncation or nonsense-mediated mRNA decay. As such, this alteration is interpreted as a disease-causing mutation.

Mayo Clinic Laboratories, Mayo Clinic
Classification: Pathogenic. Last evaluated: 2020-06-18. Review status: criteria provided, single submitter. Criteria: ACMG Guidelines, 2015. Collection method: clinical testing. Allele origin: germline. Observed: 1 variant allele. Not counted in ClinVar's aggregate classification.